The following is an entry in ClinVar:

NM_000497.4(CYP11B1):c.1339A>T (p.Met447Leu)

Genes: CYP11B1 (cytochrome P450 family 11 subfamily B member 1; minus strand), LOC106799833 (CYP11B1 recombination region; plus strand). Cytogenetic location: 8q24.3.
Variant type: single nucleotide variant.
Coding change: c.1339A>T on transcript NM_000497.4 (MANE Select); coding-DNA position 1339, A replaced by T.
Protein change: p.Met447Leu; replaces methionine 447 with leucine.
Molecular consequence: missense variant. On other transcripts: intron variant (1).
Genome position (GRCh38, 1-based): chr8:142,875,016, T>A on the plus strand (A>T on the coding strand, the complement: CYP11B1 is on the minus strand). VCF-style: chr8-142875016-T-A. GRCh37 (hg19) VCF-style: chr8-143956432-T-A.
Other names: c.1200+218A>T (NM_001026213.1); short protein forms M447L.
Identifiers: ClinVar variation 4802770 (VCV004802770.1).

ClinVar aggregate classification (germline): Uncertain significance (1 of 4 stars; one submission).

Submission:

Labcorp Genetics (formerly Invitae), Labcorp
Classification: Uncertain significance. Last evaluated: 2025-05-25. Review status: criteria provided, single submitter. Criteria: Invitae Variant Classification Sherloc (09022015). Collection method: clinical testing. Allele origin: germline.
Comment: This sequence change replaces methionine, which is neutral and non-polar, with leucine, which is neutral and non-polar, at codon 447 of the CYP11B1 protein (p.Met447Leu). This variant is not present in population databases (gnomAD no frequency). This variant has not been reported in the literature in individuals affected with CYP11B1-related conditions. Invitae Evidence Modeling of protein sequence and biophysical properties (such as structural, functional, and spatial information, amino acid conservation, physicochemical variation, residue mobility, and thermodynamic stability) indicates that this missense variant is not expected to disrupt CYP11B1 protein function with a negative predictive value of 95%. In summary, the available evidence is currently insufficient to determine the role of this variant in disease. Therefore, it has been classified as a Variant of Uncertain Significance.